The following is an entry in ClinVar:

NM_000540.3(RYR1):c.3873C>G (p.Ser1291Arg)

Gene: RYR1 (ryanodine receptor 1; plus strand). Cytogenetic location: 19q13.2.
Variant type: single nucleotide variant.
Coding change: c.3873C>G on transcript NM_000540.3 (MANE Select); coding-DNA position 3873, C replaced by G.
Protein change: p.Ser1291Arg; replaces serine 1291 with arginine.
Molecular consequence: missense variant.
Genome position (GRCh38, 1-based): chr19:38,473,484, C>G. VCF-style: chr19-38473484-C-G. GRCh37 (hg19) VCF-style: chr19-38964124-C-G.
Other names: c.3873C>G, p.Ser1291Arg (NM_001042723.2); short protein forms S1291R.
Identifiers: ClinVar variation 3032382 (VCV003032382.2), dbSNP rs769127451, ClinGen allele CA405641920.
Genomic context (GRCh38, chr19:38,473,484, plus strand): 5'-GACCCACCGCACCTGGGGCTCCCAGAACAGCCTGGTGGAGATGCTTTTCCTGCGGCTGAG[C>G]CTCCCAGTCCAGTTCCACCAGCACTTCCGCTGCACTGCAGGGGCCACCCCGCTGGCACCT-3'
Protein context (NP_000531.2, residues 1281-1301): SLVEMLFLRL[Ser1291Arg]LPVQFHQHFR

ClinVar aggregate classification (germline): Uncertain significance (0 of 4 stars; one submission).

Conditions:
RYR1-related disorder. Also called: RYR1-related condition; RYR1-related disorders. Identifiers: MedGen CN239331.

Submission:

PreventionGenetics, part of Exact Sciences
Classification: Uncertain significance for RYR1-related condition. Last evaluated: 2023-11-20. Review status: no assertion criteria provided. Collection method: clinical testing. Allele origin: germline.
Comment: The RYR1 c.3873C>G variant is predicted to result in the amino acid substitution p.Ser1291Arg. To our knowledge, this variant has not been reported in the literature or in a large population database, indicating this variant is rare. At this time, the clinical significance of this variant is uncertain due to the absence of conclusive functional and genetic evidence.